The following is an entry in ClinVar:

ClinVar aggregate classification (germline): Uncertain significance (1 of 4 stars; one submission).

Conditions:
Pallister-Hall syndrome (PHS). Also called: HYPOTHALAMIC HAMARTOBLASTOMA, HYPOPITUITARISM, IMPERFORATE ANUS, AND POSTAXIAL POLYDACTYLY; GLI3-Related Pallister-Hall Syndrome. Identifiers: Orphanet 672, MedGen C0265220, MONDO:0007804, OMIM 146510.
Greig cephalopolysyndactyly syndrome (GCPS). Also called: POLYSYNDACTYLY WITH PECULIAR SKULL SHAPE; Greig syndrome; GLI3-Related Greig Cephalopolysyndactyly Syndrome. Identifiers: Orphanet 380, MedGen C0265306, MONDO:0008287, OMIM 175700.

Submission:

Labcorp Genetics (formerly Invitae), Labcorp
Classification: Uncertain significance for Pallister-Hall syndrome; Greig cephalopolysyndactyly syndrome. Last evaluated: 2023-09-03. Review status: criteria provided, single submitter. Criteria: Invitae Variant Classification Sherloc (09022015). Collection method: clinical testing. Allele origin: germline.
Comment: This sequence change replaces leucine, which is neutral and non-polar, with valine, which is neutral and non-polar, at codon 443 of the GLI3 protein (p.Leu443Val). This variant is not present in population databases (gnomAD no frequency). This variant has not been reported in the literature in individuals affected with GLI3-related conditions. Advanced modeling of protein sequence and biophysical properties (such as structural, functional, and spatial information, amino acid conservation, physicochemical variation, residue mobility, and thermodynamic stability) performed at Invitae indicates that this missense variant is not expected to disrupt GLI3 protein function. In summary, the available evidence is currently insufficient to determine the role of this variant in disease. Therefore, it has been classified as a Variant of Uncertain Significance.

NM_000168.6(GLI3):c.1327C>G (p.Leu443Val)

Gene: GLI3 (GLI family zinc finger 3; minus strand). Cytogenetic location: 7p14.1.
Variant type: single nucleotide variant.
Coding change: c.1327C>G on transcript NM_000168.6 (MANE Select); coding-DNA position 1327, C replaced by G.
Protein change: p.Leu443Val; replaces leucine 443 with valine.
Molecular consequence: missense variant.
Genome position (GRCh38, 1-based): chr7:42,025,293, G>C on the plus strand (C>G on the coding strand, the complement: GLI3 is on the minus strand). VCF-style: chr7-42025293-G-C. GRCh37 (hg19) VCF-style: chr7-42064892-G-C.
Other names: short protein forms L443V.
Identifiers: ClinVar variation 2945404 (VCV002945404.3), dbSNP rs2484647972, ClinGen allele CA367325237.